The following is an entry in ClinVar:

NM_001130987.2(DYSF):c.5561G>T (p.Cys1854Phe)

Gene: DYSF (dysferlin; plus strand). Cytogenetic location: 2p13.2.
Variant type: single nucleotide variant.
Coding change: c.5561G>T on transcript NM_001130987.2 (MANE Select); coding-DNA position 5561, G replaced by T.
Protein change: p.Cys1854Phe; replaces cysteine 1854 with phenylalanine.
Molecular consequence: missense variant.
Genome position (GRCh38, 1-based): chr2:71,669,126, G>T. VCF-style: chr2-71669126-G-T. GRCh37 (hg19) VCF-style: chr2-71896256-G-T.
Other names: NM_001130987.2(DYSF):c.5561G>T; p.Cys1854Phe; c.5447G>T, p.Cys1816Phe (NM_001130455.2); c.5402G>T, p.Cys1801Phe (NM_001130976.2); c.5465G>T, p.Cys1822Phe (NM_001130977.2); c.5507G>T, p.Cys1836Phe (NM_001130978.2); c.5537G>T, p.Cys1846Phe (NM_001130979.2); c.5495G>T, p.Cys1832Phe (NM_001130980.2); and 7 more; short protein forms C1815F, C1854F, C1833F, C1836F, C1853F, C1801F, C1816F, C1823F.
Identifiers: ClinVar variation 283243 (VCV000283243.12), dbSNP rs886042584, ClinGen allele CA10604436.

ClinVar aggregate classification (germline): Pathogenic. Review status: reviewed by expert panel (3 of 4 stars). 6 submissions from 6 submitters: Pathogenic (1). 5 of the submissions do not count toward it. Last evaluated 2026-01-23.

Conditions:
Autosomal recessive limb-girdle muscular dystrophy. Identifiers: Orphanet 102015, MedGen C2931907, MONDO:0015152.
Miyoshi muscular dystrophy 1 (MMD1). Identifiers: Orphanet 45448, MedGen C4551973, MONDO:0024545, OMIM 254130.
Autosomal recessive limb-girdle muscular dystrophy type 2B (LGMDR2). Also called: MUSCULAR DYSTROPHY, LIMB-GIRDLE, AUTOSOMAL RECESSIVE 2; Limb-girdle muscular dystrophy, type 2B; Limb-Girdle Muscular Dystrophy Type 2B (LGMD2B); MUSCULAR DYSTROPHY, LIMB-GIRDLE, TYPE 3. Identifiers: Orphanet 268, MedGen C1850889, MONDO:0009676, OMIM 253601.

Allele frequency attached by ClinVar (database versions not stated): TOPMed below 0.00001; gnomAD exomes below 0.00001.
gnomAD v4.1: 1 of 1,604,174 alleles (0.000062%); highest among the groups gnomAD compares: Non-Finnish European, 0.000085%; no homozygotes.

Submissions (6):

ClinGen Limb Girdle Muscular Dystrophy Variant Curation Expert Panel, ClinGen
Classification: Pathogenic for Autosomal recessive limb-girdle muscular dystrophy. Last evaluated: 2026-01-23. Review status: reviewed by expert panel. Criteria: ClinGen LGMD VCEP ACMG Specifications DYSF V2.0.0. Collection method: curation. Allele origin: germline. Inheritance: Autosomal recessive inheritance.
Comment: The NM_003494.4: c.5444G>T variant in DYSF, which is also known as NM_001130987.2: c.5561G>T p.(Cys1854Phe), is a missense variant predicted to cause substitution of cysteine to phenylalanine at amino acid 1815, p.(Cys1815Phe). This variant has been observed in at least six individuals with clinically suspected LGMD with a second pathogenic variant in unknown phase in three individuals (NM_003494.4: c.755C>T p.(Thr252Met), 0.5 pts, PMID: 30564623; c.757C>T p.(Arg253Trp), 0.5 pts, PMID: 30564623, LOVD Individual #00222699; c.1180+5G>C, 0.5 pts, Jain Foundation Dysferlin Registry internal data communication) and in a homozygous state in one individual with no reported consanguinity (0.5 pts, PMID: 27647186) (PM3_Strong). At least one individual with suspected LGMD and two presumed diagnostic variants also had absent dysferlin expression in muscle, which is highly specific for DYSF-related LGMD (PP4_Strong; PMID 20544924). The highest minor allele frequency for this variant is 0.0000008509 (1/1175292 chromosomes) in the European (non-Finnish) population in gnomAD v4.1.0, which is less than the VCEP threshold of 0.0001 (PM2_Supporting). Immunofluorescence and 2-A assays of dysferlin membrane localization in HEK293T cells showed the Cys1815Phe protein did not reach the cell membrane, indicating an impact on protein function (PMID: 35028538) (PS3_Moderate). The computational predictor REVEL gives a score of 0.61, which is below the LGMD VCEP threshold of ≥0.70 (PP3 not met). In summary, this variant is classified as Pathogenic for autosomal recessive limb girdle muscular dystrophy based on the ACMG/AMP criteria applied, as specified by the ClinGen LGMD VCEP (specifications v2.0.0; 01/23/2026): PP4_Strong, PS3_Moderate, PM2_Supporting, PM3_Strong.

Natera, Inc.
Classification: Likely pathogenic for Limb-girdle muscular dystrophy type 2B. Last evaluated: 2025-06-20. Review status: criteria provided, single submitter. Criteria: Natera Variant Classification Schema (03/2026). Collection method: clinical testing. Allele origin: germline. Not counted in ClinVar's aggregate classification.
Comment: The c.5444G>T variant in DYSF is a missense variant predicted to cause substitution of cysteine to phenylalanine at amino acid 1815. This variant is rare in the general population with a frequency below the threshold expected for the associated phenotype(s). This variant has been observed in one or more individuals affected with the associated recessive disease, as either homozygous or compound heterozygous with a second variant (PMID: 28403181, 20544924, 30564623, 35135626). This variant has been identified in one or more affected individuals with a phenotype highly consistent with the associated gene (PMID: 28403181, 20544924, 30564623, 35135626). Computational prediction algorithms indicate this variant is likely to affect gene or protein function. Given the available evidence, this variant is classified as Likely Pathogenic.

GeneDx
Classification: Likely pathogenic. Last evaluated: 2025-02-25. Review status: criteria provided, single submitter. Criteria: GeneDx Variant Classification Process June 2021. Collection method: clinical testing. Allele origin: germline. Affected: yes. Not counted in ClinVar's aggregate classification.
Comment: Not observed at significant frequency in large population cohorts (gnomAD); In silico analysis supports that this missense variant has a deleterious effect on protein structure/function; This variant is associated with the following publications: (PMID: 25525159, 20544924, 24438169, 30564623, 34559919, 28403181)

Baylor Genetics
Classification: Pathogenic for Miyoshi muscular dystrophy 1. Last evaluated: 2024-03-07. Review status: criteria provided, single submitter. Criteria: ACMG Guidelines, 2015. Collection method: clinical testing. Allele origin: unknown. Not counted in ClinVar's aggregate classification.

Eurofins Ntd Llc (ga)
Classification: Likely pathogenic. Last evaluated: 2017-05-25. Review status: criteria provided, single submitter. Criteria: EGL Classification Definitions 2015. Collection method: clinical testing. Allele origin: germline. Observed: 4 variant alleles, 4 heterozygotes. Not counted in ClinVar's aggregate classification.

Counsyl
Classification: Likely pathogenic for Autosomal recessive limb-girdle muscular dystrophy type 2B. Last evaluated: 2019-06-19. Review status: no assertion criteria provided. Collection method: clinical testing. Allele origin: unknown. Not counted in ClinVar's aggregate classification.

Literature cited by the submitters: PubMed 28403181 (cited by Natera, Inc. and Counsyl); PubMed 20544924 (cited by Natera, Inc. and Counsyl); PubMed 30564623 (cited by Natera, Inc. and Counsyl); PubMed 35135626 (cited by Natera, Inc.).